The following is an entry in ClinVar:

ClinVar aggregate classification (germline): Uncertain significance (1 of 4 stars; one submission).

Conditions:
Dilated cardiomyopathy 1AA (CMD1AA). Also called: CARDIOMYOPATHY, DILATED, 1AA, WITH OR WITHOUT LEFT VENTRICULAR NONCOMPACTION; CARDIOMYOPATHY, FAMILIAL HYPERTROPHIC, 23, WITH OR WITHOUT LEFT VENTRICULAR NONCOMPACTION; Cardiomyopathy, dilated, 1AA, with or without LVNC. Identifiers: Orphanet 154, MedGen C2677338, MONDO:0012808, OMIM 612158.
Primary familial hypertrophic cardiomyopathy (HCM). Identifiers: Orphanet 99739, MedGen C0949658, MeSH D024741, MONDO:0024573. Inheritance: Various modes of inheritance.

Submission:

Labcorp Genetics (formerly Invitae), Labcorp
Classification: Uncertain significance for Primary familial hypertrophic cardiomyopathy; Dilated cardiomyopathy 1AA. Last evaluated: 2022-08-09. Review status: criteria provided, single submitter. Criteria: Invitae Variant Classification Sherloc (09022015). Collection method: clinical testing. Allele origin: germline.
Comment: This sequence change replaces aspartic acid, which is acidic and polar, with asparagine, which is neutral and polar, at codon 802 of the ACTN2 protein (p.Asp802Asn). This variant is not present in population databases (gnomAD no frequency). This variant has not been reported in the literature in individuals affected with ACTN2-related conditions. Advanced modeling of protein sequence and biophysical properties (such as structural, functional, and spatial information, amino acid conservation, physicochemical variation, residue mobility, and thermodynamic stability) performed at Invitae indicates that this missense variant is expected to disrupt ACTN2 protein function. In summary, the available evidence is currently insufficient to determine the role of this variant in disease. Therefore, it has been classified as a Variant of Uncertain Significance.

NM_001103.4(ACTN2):c.2404G>A (p.Asp802Asn)

Gene: ACTN2 (actinin alpha 2; plus strand). Cytogenetic location: 1q43.
Variant type: single nucleotide variant.
Coding change: c.2404G>A on transcript NM_001103.4 (MANE Select); coding-DNA position 2404, G replaced by A.
Protein change: p.Asp802Asn; replaces aspartic acid 802 with asparagine.
Molecular consequence: missense variant.
Genome position (GRCh38, 1-based): chr1:236,761,051, G>A. VCF-style: chr1-236761051-G-A. GRCh37 (hg19) VCF-style: chr1-236924351-G-A.
Other names: c.2404G>A, p.Asp802Asn (NM_001278343.2); c.1780G>A, p.Asp594Asn (NM_001278344.2); c.1654G>A, p.Asp552Asn (NM_001412150.1); short protein forms D552N, D594N, D802N.
Identifiers: ClinVar variation 1715998 (VCV001715998.6), dbSNP rs2527664925, ClinGen allele CA345390717.
Genomic context (GRCh38, chr1:236,761,051, plus strand): 5'-TGTTTCTTTGCCACTTTGCCCCAGGGTGAAGCCGAATTTGCCCGCATTATGACCCTGGTA[G>A]ATCCCAACGGGCAAGGCACCGTCACCTTCCAATCCTTCATCGACTTCATGACTAGAGAGA-3'
Protein context (NP_001094.1, residues 792-812): AEFARIMTLV[Asp802Asn]PNGQGTVTFQ